The following is an entry in ClinVar:

NM_005097.4(LGI1):c.344C>T (p.Pro115Leu)

Gene: LGI1 (leucine rich glioma inactivated 1; plus strand). Cytogenetic location: 10q23.33.
Variant type: single nucleotide variant.
Coding change: c.344C>T on transcript NM_005097.4 (MANE Select); coding-DNA position 344, C replaced by T.
Protein change: p.Pro115Leu; replaces proline 115 with leucine.
Molecular consequence: missense variant. On other transcripts: intron variant (1).
Genome position (GRCh38, 1-based): chr10:93,777,435, C>T. VCF-style: chr10-93777435-C-T. GRCh37 (hg19) VCF-style: chr10-95537192-C-T.
Other names: c.344C>T, p.Pro115Leu (NM_001308275.2); c.288-12664C>T (NM_001308276.2); c.344C>T (NM_005097.3); short protein forms P115L.
Identifiers: ClinVar variation 1011420 (VCV001011420.15), dbSNP rs763321607, ClinGen allele CA5611065.

ClinVar aggregate classification (germline): Uncertain significance. Review status: criteria provided, multiple submitters, no conflicts (2 of 4 stars). 5 submissions from 5 submitters: Uncertain significance (4). 1 of the submissions does not count toward it. Last evaluated 2025-10-14.

Conditions:
Autosomal dominant epilepsy with auditory features. Identifiers: Orphanet 101046, MedGen C1838062, MONDO:0010898.
Inborn genetic diseases. Identifiers: MedGen C0950123, MeSH D030342.
LGI1-related disorder. Also called: LGI1-related condition.

Allele frequency attached by ClinVar (database versions not stated): gnomAD exomes below 0.00001 and 0.00005; ExAC 0.00001; TOPMed 0.00002; gnomAD 0.00003 and 0.00004.
gnomAD v4.1: 77 of 1,613,780 alleles (0.0048%); highest among the groups gnomAD compares: Non-Finnish European, 0.0064%; no homozygotes.

Submissions (5):

Ambry Genetics
Classification: Uncertain significance for Inborn genetic diseases. Last evaluated: 2025-10-14. Review status: criteria provided, single submitter. Criteria: Ambry Variant Classification Scheme 2023. Collection method: clinical testing. Allele origin: germline.

Women's Health and Genetics/Laboratory Corporation of America, LabCorp
Classification: Uncertain significance. Last evaluated: 2025-07-29. Review status: criteria provided, single submitter. Criteria: LabCorp Variant Classification Summary - May 2015. Collection method: clinical testing. Allele origin: germline.
Comment: Variant summary: LGI1 c.344C>T (p.Pro115Leu) results in a non-conservative amino acid change in the encoded protein sequence. Algorithms developed to predict the effect of missense changes on protein structure and function are either unavailable or do not agree on the potential impact of this missense change. The variant allele was found at a frequency of 4e-06 in 251344 control chromosomes. The available data on variant occurrences in the general population are insufficient to allow any conclusion about variant significance. To our knowledge, no occurrence of c.344C>T in individuals affected with Epilepsy, Familial Temporal Lobe, 1 and no experimental evidence demonstrating its impact on protein function have been reported. ClinVar contains an entry for this variant (Variation ID: 1011420). Based on the evidence outlined above, the variant was classified as uncertain significance.

Labcorp Genetics (formerly Invitae), Labcorp
Classification: Uncertain significance for Autosomal dominant epilepsy with auditory features. Last evaluated: 2024-09-10. Review status: criteria provided, single submitter. Criteria: Invitae Variant Classification Sherloc (09022015). Collection method: clinical testing. Allele origin: germline.
Comment: This sequence change replaces proline, which is neutral and non-polar, with leucine, which is neutral and non-polar, at codon 115 of the LGI1 protein (p.Pro115Leu). This variant is present in population databases (rs763321607, gnomAD 0.0009%). This variant has not been reported in the literature in individuals affected with LGI1-related conditions. ClinVar contains an entry for this variant (Variation ID: 1011420). Invitae Evidence Modeling of protein sequence and biophysical properties (such as structural, functional, and spatial information, amino acid conservation, physicochemical variation, residue mobility, and thermodynamic stability) indicates that this missense variant is not expected to disrupt LGI1 protein function with a negative predictive value of 80%. In summary, the available evidence is currently insufficient to determine the role of this variant in disease. Therefore, it has been classified as a Variant of Uncertain Significance.

GeneDx
Classification: Uncertain significance. Last evaluated: 2019-06-12. Review status: criteria provided, single submitter. Criteria: GeneDx Variant Classification Process June 2021. Collection method: clinical testing. Allele origin: germline. Affected: yes.
Comment: Not observed at a significant frequency in large population cohorts (Lek et al., 2016); In silico analysis, which includes protein predictors and evolutionary conservation, supports a deleterious effect; Has not been previously published as pathogenic or benign to our knowledge

PreventionGenetics, part of Exact Sciences
Classification: Uncertain significance for LGI1-related condition. Last evaluated: 2024-03-27. Review status: no assertion criteria provided. Collection method: clinical testing. Allele origin: germline. Not counted in ClinVar's aggregate classification.
Comment: The LGI1 c.344C>T variant is predicted to result in the amino acid substitution p.Pro115Leu. To our knowledge, this variant has not been reported in the literature. This variant is reported in 0.00088% of alleles in individuals of European (Non-Finnish) descent in gnomAD. At this time, the clinical significance of this variant is uncertain due to the absence of conclusive functional and genetic evidence.